The following is an entry in ClinVar:

ClinVar aggregate classification (germline): Benign/Likely benign. Review status: criteria provided, multiple submitters, no conflicts (2 of 4 stars). 3 submissions from 3 submitters: Benign (1); Likely benign (2). Last evaluated 2025-09-02.

Conditions:
Hereditary cancer-predisposing syndrome. Also called: Neoplastic Syndromes, Hereditary; Tumor predisposition; Hereditary Cancer Syndrome; Hereditary neoplastic syndrome. Identifiers: Orphanet 140162, MedGen C0027672, MeSH D009386, MONDO:0015356.
Hereditary diffuse gastric adenocarcinoma (HDGC). Also called: DIFFUSE GASTRIC AND LOBULAR BREAST CANCER SYNDROME. Identifiers: Orphanet 26106, MedGen C1708349, MONDO:0007648, OMIM 137215.

Submissions (3):

Labcorp Genetics (formerly Invitae), Labcorp
Classification: Likely benign. Last evaluated: 2025-09-02. Review status: criteria provided, single submitter. Criteria: Invitae Variant Classification Sherloc (09022015). Collection method: clinical testing. Allele origin: germline.

Myriad Genetics, Inc.
Classification: Benign for Hereditary diffuse gastric adenocarcinoma. Last evaluated: 2024-10-10. Review status: criteria provided, single submitter. Criteria: Myriad Autosomal Dominant, Autosomal Recessive and X-Linked Classification Criteria (2023). Collection method: clinical testing. Allele origin: unknown.
Comment: This variant is considered benign. This variant is a silent/synonymous amino acid change and it is not expected to impact splicing.

Ambry Genetics
Classification: Likely benign for Hereditary cancer-predisposing syndrome. Last evaluated: 2022-07-19. Review status: criteria provided, single submitter. Criteria: Ambry Variant Classification Scheme 2023. Collection method: clinical testing. Allele origin: germline.

NM_001903.5(CTNNA1):c.1152A>G (p.Lys384=)

Gene: CTNNA1 (catenin alpha 1; plus strand). Cytogenetic location: 5q31.2.
Variant type: single nucleotide variant.
Coding change: c.1152A>G on transcript NM_001903.5 (MANE Select); coding-DNA position 1152, A replaced by G.
Protein change: p.Lys384=; no amino-acid change (lysine 384 retained).
Molecular consequence: synonymous variant. On other transcripts: 5 prime UTR variant (5), intron variant (2).
Genome position (GRCh38, 1-based): chr5:138,887,498, A>G. VCF-style: chr5-138887498-A-G. GRCh37 (hg19) VCF-style: chr5-138223187-A-G.
Other names: c.1152A>G, p.Lys384= (NM_001290307.3, NM_001323982.2, NM_001323983.1 and 3 more transcripts); c.843A>G, p.Lys281= (NM_001290309.3); c.783A>G, p.Lys261= (NM_001290310.3); c.42A>G, p.Lys14= (NM_001290312.1, NM_001323987.1, NM_001323988.1 and 18 more transcripts); c.-356A>G (NM_001324006.1, NM_001324007.1, NM_001324008.1 and 1 more transcripts); c.-231A>G (NM_001324013.1); c.-58+11901A>G (NM_001324012.1); c.-61+11901A>G (NM_001324010.1).
Identifiers: ClinVar variation 1734293 (VCV001734293.8), dbSNP rs2533011869, ClinGen allele CA446589582.
Genomic context (GRCh38, chr5:138,887,498, plus strand): 5'-TTAATACCTTTTTGGTAGAAATAAAATCAAATTTTTACAATTTAATCATTAGCTCCGCAA[A>G]GCTGTCATGGACCACGTTTCAGATTCTTTCCTGGAAACCAATGTTCCACTTTTGGTATTG-3'
Protein context (NP_001894.2, residues 374-394): KTRDLRRQLR[Lys384=]AVMDHVSDSF